The following is an entry in ClinVar:

NM_033056.4(PCDH15):c.5483C>T (p.Pro1828Leu)

Gene: PCDH15 (protocadherin related 15; minus strand). Cytogenetic location: 10q21.1.
Variant type: single nucleotide variant.
Coding change: c.5483C>T on transcript NM_033056.4 (MANE Plus Clinical); coding-DNA position 5483, C replaced by T.
Protein change: p.Pro1828Leu; replaces proline 1828 with leucine.
Molecular consequence: missense variant. On other transcripts: intron variant (8).
Genome position (GRCh38, 1-based): chr10:53,822,243, G>A on the plus strand (C>T on the coding strand, the complement: PCDH15 is on the minus strand). VCF-style: chr10-53822243-G-A. GRCh37 (hg19) VCF-style: chr10-55582003-G-A.
Other names: c.5504C>T, p.Pro1835Leu (NM_001142763.2); c.5489C>T, p.Pro1830Leu (NM_001142764.2); c.5276C>T, p.Pro1759Leu (NM_001142765.2); c.5474C>T, p.Pro1825Leu (NM_001142766.2); c.5363C>T, p.Pro1788Leu (NM_001142767.2); c.5423C>T, p.Pro1808Leu (NM_001142768.2); c.5414C>T, p.Pro1805Leu (NM_001142773.2); c.5417C>T, p.Pro1806Leu (NM_001354404.2); and 7 more; short protein forms P1830L, P1835L, P1805L, P1808L, P1825L, P1806L, P1828L, P1759L.
Identifiers: ClinVar variation 2173433 (VCV002173433.1), dbSNP rs768915332, ClinGen allele CA5505025.

ClinVar aggregate classification (germline): Uncertain significance (1 of 4 stars; one submission).

Allele frequency attached by ClinVar (database versions not stated): gnomAD 0.00001; ExAC 0.00001.
gnomAD v4.1: 4 of 1,613,778 alleles (0.00025%); highest among the groups gnomAD compares: South Asian, 0.0011%; no homozygotes.

Submission:

Labcorp Genetics (formerly Invitae), Labcorp
Classification: Uncertain significance. Last evaluated: 2022-02-17. Review status: criteria provided, single submitter. Criteria: Invitae Variant Classification Sherloc (09022015). Collection method: clinical testing. Allele origin: germline.
Comment: This sequence change replaces proline, which is neutral and non-polar, with leucine, which is neutral and non-polar, at codon 1828 of the PCDH15 protein (p.Pro1828Leu). This variant is present in population databases (rs768915332, gnomAD 0.003%). This variant has not been reported in the literature in individuals affected with PCDH15-related conditions. Algorithms developed to predict the effect of missense changes on protein structure and function output the following: SIFT: "Tolerated"; PolyPhen-2: "Not Available"; Align-GVGD: "Class C0". The leucine amino acid residue is found in multiple mammalian species, which suggests that this missense change does not adversely affect protein function. In summary, the available evidence is currently insufficient to determine the role of this variant in disease. Therefore, it has been classified as a Variant of Uncertain Significance.